The following is an entry in ClinVar:

NM_014946.4(SPAST):c.*11T>C

Gene: SPAST (spastin; plus strand). Cytogenetic location: 2p22.3.
Variant type: single nucleotide variant.
Coding change: c.*11T>C on transcript NM_014946.4 (MANE Select); 11 bases downstream of the stop codon, T replaced by C.
Molecular consequence: 3 prime UTR variant.
Genome position (GRCh38, 1-based): chr2:32,154,507, T>C. VCF-style: chr2-32154507-T-C. GRCh37 (hg19) VCF-style: chr2-32379576-T-C.
Other names: c.*11T>C (NM_001363823.2, NM_001363875.2, NM_199436.2); c.*135T>C (NM_001377959.1).
Identifiers: ClinVar variation 335836 (VCV000335836.5), dbSNP rs753913367, ClinGen allele CA1601036.

ClinVar aggregate classification (germline): Likely benign (1 of 4 stars; one submission).

Allele frequency attached by ClinVar (database versions not stated): ExAC 0.00001; gnomAD exomes 0.00001 and 0.00005; gnomAD 0.00002; TOPMed 0.00002.
gnomAD v4.1: 73 of 1,613,208 alleles (0.0045%); highest among the groups gnomAD compares: Non-Finnish European, 0.0062%; no homozygotes.

Submission:

GeneDx
Classification: Likely benign. Last evaluated: 2016-02-29. Review status: criteria provided, single submitter. Criteria: GeneDx Variant Classification (06012015). Collection method: clinical testing. Allele origin: germline. Affected: yes.
Comment: This variant is considered likely benign or benign based on one or more of the following criteria: it is a conservative change, it occurs at a poorly conserved position in the protein, it is predicted to be benign by multiple in silico algorithms, and/or has population frequency not consistent with disease.